The following is an entry in ClinVar:

ClinVar aggregate classification (germline): Benign/Likely benign. Review status: criteria provided, multiple submitters, no conflicts (2 of 4 stars). 3 submissions from 3 submitters: Benign (1); Likely benign (2). Last evaluated 2025-12-01.

Allele frequency attached by ClinVar (database versions not stated): gnomAD 0.00001; gnomAD exomes 0.00013; ExAC 0.00036; 1000 Genomes Project 0.00040; 1000 Genomes Project 30x 0.00047.
gnomAD v4.1: 184 of 1,612,364 alleles (0.011%); highest among the groups gnomAD compares: South Asian, 0.19%; 4 homozygotes.

Submissions (3):

CeGaT Center for Human Genetics Tuebingen
Classification: Benign. Last evaluated: 2025-12-01. Review status: criteria provided, single submitter. Criteria: CeGaT Center For Human Genetics Tuebingen Variant Classification Criteria Version 2. Collection method: clinical testing. Allele origin: germline. Affected: yes. Observed: 1 variant allele.
Comment: KIAA1549: BS1, BS2

Blueprint Genetics
Classification: Likely benign. Last evaluated: 2024-06-05. Review status: criteria provided, single submitter. Criteria: ACMG Guidelines, 2015. Collection method: clinical testing. Allele origin: germline.

Labcorp Genetics (formerly Invitae), Labcorp
Classification: Likely benign. Last evaluated: 2023-12-05. Review status: criteria provided, single submitter. Criteria: Invitae Variant Classification Sherloc (09022015). Collection method: clinical testing. Allele origin: germline.

NM_001164665.2(KIAA1549):c.4778C>T (p.Ser1593Leu)

Gene: KIAA1549 (KIAA1549; minus strand). Cytogenetic location: 7q34.
Variant type: single nucleotide variant.
Coding change: c.4778C>T on transcript NM_001164665.2 (MANE Select); coding-DNA position 4778, C replaced by T.
Protein change: p.Ser1593Leu; replaces serine 1593 with leucine.
Molecular consequence: missense variant.
Genome position (GRCh38, 1-based): chr7:138,868,126, G>A on the plus strand (C>T on the coding strand, the complement: KIAA1549 is on the minus strand). VCF-style: chr7-138868126-G-A. GRCh37 (hg19) VCF-style: chr7-138552872-G-A.
Other names: c.4778C>T, p.Ser1593Leu (NM_020910.3); short protein forms S1593L.
Identifiers: ClinVar variation 2970829 (VCV002970829.9), dbSNP rs572540609, ClinGen allele CA4505753.
Genomic context (GRCh38, chr7:138,868,126, plus strand): 5'-TCGGCAGGACAGCCGTTGACCTGGTGTTTCCGGCGAGGCTTGGGAGAACGTTTTATCCGT[G>A]AGCTGCCAGGAAAAAGAGAAATTATCTTCGTAGGAAATCACCCTTTTTGCCACTGACTTA-3'
Protein context (NP_001158137.1, residues 1583-1603): PSVFIEPRKS[Ser1593Leu]RIKRSPKPRR